The following is an entry in ClinVar:

ClinVar aggregate classification (germline): Likely pathogenic (1 of 4 stars; one submission).

Conditions:
Gaucher disease. Also called: Acute cerebral Gaucher disease; Cerebroside lipidosis syndrome; Gaucher splenomegaly; Sphingolipidosis 1; Glucocerebrosidosis; Glucosylceramidase deficiency. Identifiers: Orphanet 355, MedGen C0017205, MONDO:0018150.

Submission:

Natera, Inc.
Classification: Likely pathogenic for Gaucher disease. Last evaluated: 2025-11-06. Review status: criteria provided, single submitter. Criteria: Natera Variant Classification Schema (03/2026). Collection method: clinical testing. Allele origin: germline.
Comment: The c.700G>C variant in GBA1 is a missense variant predicted to cause substitution of glycine to arginine at amino acid 234. This variant is rare in the general population with a frequency below the threshold expected for the associated phenotype(s). This variant has been observed in one or more individuals affected with the associated recessive disease, as either homozygous or compound heterozygous with a second variant (PMID: 32702516). This variant has been identified in one or more affected individual with a phenotype highly consistent with the associated gene (PMID: 32702516). A different variant at the same position has been determined to be Pathogenic or Likely Pathogenic. Computational prediction algorithms indicate this variant is likely to affect gene or protein function. Given the available evidence, this variant is classified as Likely Pathogenic.

Literature cited by the submitters: PubMed 32702516.

NM_000157.4(GBA1):c.700G>C (p.Gly234Arg)

Genes: GBA1 (glucosylceramidase beta 1; minus strand), LOC106627981 (GBA recombination region; plus strand). Cytogenetic location: 1q22.
Variant type: single nucleotide variant.
Coding change: c.700G>C on transcript NM_000157.4 (MANE Select); coding-DNA position 700, G replaced by C.
Protein change: p.Gly234Arg; replaces glycine 234 with arginine.
Molecular consequence: missense variant.
Genome position (GRCh38, 1-based): chr1:155,238,195, C>G on the plus strand (G>C on the coding strand, the complement: GBA1 is on the minus strand). VCF-style: chr1-155238195-C-G. GRCh37 (hg19) VCF-style: chr1-155207986-C-G.
Other names: c.700G>C, p.Gly234Arg (NM_001005741.3, NM_001005742.3); c.439G>C, p.Gly147Arg (NM_001171811.2); c.553G>C, p.Gly185Arg (NM_001171812.2); short protein forms G147R, G185R, G234R.
Identifiers: ClinVar variation 4817795 (VCV004817795.1).